The following is an entry in ClinVar:

NM_032638.5(GATA2):c.563C>T (p.Thr188Met)

Gene: GATA2 (GATA binding protein 2; minus strand). Cytogenetic location: 3q21.3.
Variant type: single nucleotide variant.
Coding change: c.563C>T on transcript NM_032638.5 (MANE Select); coding-DNA position 563, C replaced by T.
Protein change: p.Thr188Met; replaces threonine 188 with methionine.
Molecular consequence: missense variant.
Genome position (GRCh38, 1-based): chr3:128,486,035, G>A on the plus strand (C>T on the coding strand, the complement: GATA2 is on the minus strand). VCF-style: chr3-128486035-G-A. GRCh37 (hg19) VCF-style: chr3-128204878-G-A.
Other names: c.563C>T, p.Thr188Met (NM_001145661.2, NM_001145662.1); c.563C>T (NM_032638.4); short protein forms T188M.
Identifiers: ClinVar variation 1506621 (VCV001506621.9), dbSNP rs2068692665, ClinGen allele CA354406506.
Genomic context (GRCh38, chr3:128,486,035, plus strand): 5'-TTGTCCTCTCCTCGGGCTGCACTACCCCCCGCGGAAGATGAGGCTGGAGACGCAGCCCCC[G>A]TGGTGCTAGGGTCAGGAGACACTTCTTTGGGTGGCGTGGGTGGGAAGCCGAAAAGGTGGG-3'
Protein context (NP_116027.2, residues 178-198): PKEVSPDPST[Thr188Met]GAASPASSSA

ClinVar aggregate classification (germline): Uncertain significance. Review status: criteria provided, multiple submitters, no conflicts (2 of 4 stars). 2 submissions from 2 submitters: Uncertain significance (2). Last evaluated 2026-06-25.

Conditions:
Deafness-lymphedema-leukemia syndrome. Also called: Emberger syndrome; Lymphedema, primary, with myelodysplasia. Identifiers: Orphanet 3226, MedGen C3279664, MONDO:0013540, OMIM 614038.
Monocytopenia with susceptibility to infections. Also called: IMMUNODEFICIENCY 21; GATA2 DEFICIENCY; MONOCYTOPENIA AND MYCOBACTERIAL INFECTION SYNDROME; MONOCYTOPENIA WITH SUSCEPTIBILITY TO MYCOBACTERIAL, FUNGAL, AND PAPILLOMAVIRUS INFECTIONS AND MYELODYSPLASIA; COMBINED IMMUNODEFICIENCY WITH SUSCEPTIBILITY TO MYCOBACTERIAL, VIRAL, AND FUNGAL INFECTIONS; Dendritic cell, monocyte, B lymphocyte, and natural killer lymphocyte deficiency. Identifiers: Orphanet 228423, MedGen C3280030, MONDO:0013607, OMIM 614172.
Inborn genetic diseases. Identifiers: MedGen C0950123, MeSH D030342.

Allele frequency attached by ClinVar (database versions not stated): gnomAD exomes below 0.00001; TOPMed below 0.00001.
gnomAD v4.1: 1 of 1,614,170 alleles (0.000062%); highest among the groups gnomAD compares: Non-Finnish European, 0.000085%; no homozygotes.

Submissions (2):

Ambry Genetics
Classification: Uncertain significance for Inborn genetic diseases. Last evaluated: 2026-06-25. Review status: criteria provided, single submitter. Criteria: Ambry Variant Classification Scheme 2023. Collection method: clinical testing. Allele origin: germline.
Comment: The p.T188M variant (also known as c.563C>T), located in coding exon 2 of the GATA2 gene, results from a C to T substitution at nucleotide position 563. The threonine at codon 188 is replaced by methionine, an amino acid with similar properties. This amino acid position is well conserved in available vertebrate species. In addition, the in silico prediction for this alteration is inconclusive. Based on the available evidence, the clinical significance of this variant remains unclear.

Labcorp Genetics (formerly Invitae), Labcorp
Classification: Uncertain significance for Monocytopenia with susceptibility to infections; Deafness-lymphedema-leukemia syndrome. Last evaluated: 2021-01-11. Review status: criteria provided, single submitter. Criteria: Invitae Variant Classification Sherloc (09022015). Collection method: clinical testing. Allele origin: germline.
Comment: In summary, the available evidence is currently insufficient to determine the role of this variant in disease. Therefore, it has been classified as a Variant of Uncertain Significance. Algorithms developed to predict the effect of missense changes on protein structure and function (SIFT, PolyPhen-2, Align-GVGD) all suggest that this variant is likely to be tolerated, but these predictions have not been confirmed by published functional studies and their clinical significance is uncertain. This variant has not been reported in the literature in individuals with GATA2-related conditions. This variant is not present in population databases (ExAC no frequency). This sequence change replaces threonine with methionine at codon 188 of the GATA2 protein (p.Thr188Met). The threonine residue is moderately conserved and there is a moderate physicochemical difference between threonine and methionine.